The following is an entry in ClinVar:

NM_020821.3(VPS13C):c.2572A>G (p.Lys858Glu)

Gene: VPS13C (vacuolar protein sorting 13 homolog C; minus strand). Cytogenetic location: 15q22.2.
Variant type: single nucleotide variant.
Coding change: c.2572A>G on transcript NM_020821.3 (MANE Select); coding-DNA position 2572, A replaced by G.
Protein change: p.Lys858Glu; replaces lysine 858 with glutamic acid.
Molecular consequence: missense variant.
Genome position (GRCh38, 1-based): chr15:61,973,499, T>C on the plus strand (A>G on the coding strand, the complement: VPS13C is on the minus strand). VCF-style: chr15-61973499-T-C. GRCh37 (hg19) VCF-style: chr15-62265698-T-C.
Other names: c.2572A>G, p.Lys858Glu (NM_001018088.3); c.2443A>G, p.Lys815Glu (NM_017684.5, NM_018080.4); short protein forms K815E, K858E.
Identifiers: ClinVar variation 4755116 (VCV004755116.1).

ClinVar aggregate classification (germline): Uncertain significance (1 of 4 stars; one submission).

gnomAD v4.1: 77 of 1,612,820 alleles (0.0048%); highest among the groups gnomAD compares: Middle Eastern, 0.033%; no homozygotes.

Submission:

Labcorp Genetics (formerly Invitae), Labcorp
Classification: Uncertain significance. Last evaluated: 2025-12-15. Review status: criteria provided, single submitter. Criteria: Invitae Variant Classification Sherloc (09022015). Collection method: clinical testing. Allele origin: germline.
Comment: This sequence change replaces lysine, which is basic and polar, with glutamic acid, which is acidic and polar, at codon 858 of the VPS13C protein (p.Lys858Glu). This variant is present in population databases (rs200738889, gnomAD 0.01%). This variant has not been reported in the literature in individuals affected with VPS13C-related conditions. Invitae Evidence Modeling of protein sequence and biophysical properties (such as structural, functional, and spatial information, amino acid conservation, physicochemical variation, residue mobility, and thermodynamic stability) indicates that this missense variant is not expected to disrupt VPS13C protein function with a negative predictive value of 80%. In summary, the available evidence is currently insufficient to determine the role of this variant in disease. Therefore, it has been classified as a Variant of Uncertain Significance.